The following is an entry in ClinVar:

ClinVar aggregate classification (germline): Pathogenic (1 of 4 stars; one submission).

Conditions:
Fanconi anemia (FA). Also called: Fanconi's anemia. Identifiers: Orphanet 84, MedGen C0015625, MeSH D005199, MONDO:0019391.

Submission:

Labcorp Genetics (formerly Invitae), Labcorp
Classification: Pathogenic for Fanconi anemia. Last evaluated: 2021-11-18. Review status: criteria provided, single submitter. Criteria: Invitae Variant Classification Sherloc (09022015). Collection method: clinical testing. Allele origin: germline.
Comment: This variant is not present in population databases (gnomAD no frequency). This sequence change creates a premature translational stop signal (p.Ala1304Hisfs*5) in the FANCA gene. It is expected to result in an absent or disrupted protein product. Loss-of-function variants in FANCA are known to be pathogenic (PMID: 19367192). This variant has not been reported in the literature in individuals affected with FANCA-related conditions. For these reasons, this variant has been classified as Pathogenic.

Literature cited by the submitters: PubMed 19367192.

NM_000135.4(FANCA):c.3910del (p.Ala1304fs)

Genes: FANCA (FA complementation group A; minus strand), ZNF276 (zinc finger protein 276; plus strand). Cytogenetic location: 16q24.3.
Variant type: Deletion.
Coding change: c.3910del on transcript NM_000135.4 (MANE Select); coding-DNA position 3910, one base deleted (G; older notation c.3910delG).
Protein change: p.Ala1304fs; shifts the reading frame from alanine 1304.
Molecular consequence: frameshift variant. On other transcripts: 3 prime UTR variant (2), non-coding transcript variant (4).
Genome position (GRCh38, 1-based): chr16:89,740,018, C deleted on the plus strand (G on the coding strand, the reverse complement: FANCA is on the minus strand); the first of 2 consecutive C bases (chr16:89,740,018-89,740,019); deleting either gives the same sequence. VCF-style (leftmost placement, unchanged base first): chr16-89740017-GC-G. GRCh37 (hg19) VCF-style: chr16-89806425-GC-G.
Other names: c.3910del, p.Ala1304fs (NM_001286167.3); c.*1773del (NM_001113525.2, NM_152287.4); short protein forms A1304fs.
Identifiers: ClinVar variation 1451515 (VCV001451515.6), dbSNP rs2151714666, ClinGen allele CA2573152919.
Genomic context (GRCh38, chr16:89,740,017, plus strand): 5'-GCCCTCCGCATTTGTGCCTCAGCAGCGTGTTTCTTACCACTCTCTGTCAACTGAAAGAGT[GC>G]CAGCCAGGATATCTTCCTCTTCTCTAAACACTCGAGGATTGCTGCACAAACGTGGAAAGC-3'